The following is an entry in ClinVar:

ClinVar aggregate classification (germline): Benign/Likely benign. Review status: criteria provided, multiple submitters, no conflicts (2 of 4 stars). 3 submissions from 3 submitters: Benign (1); Likely benign (2). Last evaluated 2026-08-18.

Conditions:
Hereditary cancer-predisposing syndrome. Also called: Hereditary neoplastic syndrome; Neoplastic Syndromes, Hereditary; Tumor predisposition; Hereditary Cancer Syndrome. Identifiers: Orphanet 140162, MedGen C0027672, MeSH D009386, MONDO:0015356.
DICER1-related tumor predisposition. Also called: DICER1 syndrome; DICER1-related pleuropulmonary blastoma cancer predisposition syndrome. Identifiers: Orphanet 284343, MedGen C3839822, MONDO:0100216.

Submissions (3):

Myriad Genetics, Inc.
Classification: Benign for DICER1-related tumor predisposition. Last evaluated: 2026-08-18. Review status: criteria provided, single submitter. Criteria: Myriad Autosomal Dominant, Autosomal Recessive and X-Linked Classification Criteria (2023). Collection method: clinical testing. Allele origin: unknown.
Comment: This variant is considered benign. This variant is a silent/synonymous amino acid change and it is not expected to impact splicing.

Labcorp Genetics (formerly Invitae), Labcorp
Classification: Likely benign for DICER1-related tumor predisposition. Last evaluated: 2019-12-13. Review status: criteria provided, single submitter. Criteria: Invitae Variant Classification Sherloc (09022015). Collection method: clinical testing. Allele origin: germline.

Ambry Genetics
Classification: Likely benign for Hereditary cancer-predisposing syndrome. Last evaluated: 2018-11-06. Review status: criteria provided, single submitter. Criteria: Ambry Variant Classification Scheme 2023. Collection method: clinical testing. Allele origin: germline.

NM_177438.3(DICER1):c.4743T>C (p.Leu1581=)

Gene: DICER1 (dicer 1, ribonuclease III; minus strand). Cytogenetic location: 14q32.13.
Variant type: single nucleotide variant.
Coding change: c.4743T>C on transcript NM_177438.3 (MANE Select); coding-DNA position 4743, T replaced by C.
Protein change: p.Leu1581=; no amino-acid change (leucine 1581 retained).
Molecular consequence: synonymous variant.
Genome position (GRCh38, 1-based): chr14:95,096,177, A>G on the plus strand (T>C on the coding strand, the complement: DICER1 is on the minus strand). VCF-style: chr14-95096177-A-G. GRCh37 (hg19) VCF-style: chr14-95562514-A-G.
Other names: c.4743T>C, p.Leu1581= (NM_001195573.1, NM_001271282.3, NM_001291628.2 and 1 more transcripts).
Identifiers: ClinVar variation 765631 (VCV000765631.17), dbSNP rs1595339811, ClinGen allele CA487844240.